The following is an entry in ClinVar:

NM_001077350.3(NPRL3):c.745G>A (p.Glu249Lys)

Genes: HBA-LCR (alpha-globin locus control region; plus strand), NPRL3 (NPR3 like, GATOR1 complex subunit; minus strand). Cytogenetic location: 16p13.3.
Variant type: single nucleotide variant.
Coding change: c.745G>A on transcript NM_001077350.3 (MANE Select); coding-DNA position 745, G replaced by A.
Protein change: p.Glu249Lys; replaces glutamic acid 249 with lysine.
Molecular consequence: missense variant.
Genome position (GRCh38, 1-based): chr16:100,394, C>T on the plus strand (G>A on the coding strand, the complement: NPRL3 is on the minus strand). VCF-style: chr16-100394-C-T. GRCh37 (hg19) VCF-style: chr16-150392-C-T.
Other names: c.208G>A, p.Glu70Lys (NM_001039476.3); c.511G>A, p.Glu171Lys (NM_001243247.2); c.670G>A, p.Glu224Lys (NM_001243248.2, NM_001243249.2); short protein forms E249K, E224K, E70K, E171K.
Identifiers: ClinVar variation 847079 (VCV000847079.14), dbSNP rs200041907, ClinGen allele CA7769568.

ClinVar aggregate classification (germline): Conflicting classifications of pathogenicity. Review status: criteria provided, conflicting classifications (1 of 4 stars). 5 submissions from 5 submitters: Uncertain significance (4); Benign (1). Last evaluated 2026-07-31.

Conditions:
Epilepsy, familial focal, with variable foci 3 (FFEVF3). Identifiers: MedGen C4310708, MONDO:0014925, OMIM 617118.
NPRL3-related disorder. Also called: NPRL3-related condition.

Allele frequency attached by ClinVar (database versions not stated): gnomAD exomes 0.00009; ExAC 0.00013; 1000 Genomes Project 30x 0.00016; 1000 Genomes Project 0.00020; ESP Exome Variant Server 0.00024; TOPMed 0.00024; gnomAD 0.00025 and 0.00026.

Submissions (5):

PreventionGenetics, part of Exact Sciences
Classification: Uncertain significance for NPRL3-related condition. Last evaluated: 2026-07-31. Review status: criteria provided, single submitter. Criteria: ACMG Guidelines, 2015. Collection method: clinical testing. Allele origin: germline.
Comment: The NPRL3 c.745G>A variant is predicted to result in the amino acid substitution p.Glu249Lys. This variant has been reported to have arisen de novo in an individual with focal epilepsy; however, this individual’s mother is also affected with focal epilepsy but does not have this variant (Ricos et al. 2016. PubMed ID: 26505888, family 8). In addition, in another unrelated family, this variant was detected in the affected proband with familial focal epilepsy but was not present in the affected sibling with similar phenotype (Weckhuysen et al. PubMed ID: 27173016). This variant is reported in 0.074% of alleles in individuals of African descent in gnomAD. Although we suspect that this variant may be benign, at this time, the clinical significance of this variant is uncertain due to the absence of conclusive functional and genetic evidence.

Labcorp Genetics (formerly Invitae), Labcorp
Classification: Uncertain significance for Epilepsy, familial focal, with variable foci 3. Last evaluated: 2026-01-28. Review status: criteria provided, single submitter. Criteria: Invitae Variant Classification Sherloc (09022015). Collection method: clinical testing. Allele origin: germline.
Comment: This sequence change replaces glutamic acid, which is acidic and polar, with lysine, which is basic and polar, at codon 249 of the NPRL3 protein (p.Glu249Lys). This variant is present in population databases (rs200041907, gnomAD 0.07%), and has an allele count higher than expected for a pathogenic variant. This missense change has been observed in individual(s) with focal epilepsy (PMID: 26505888, 27173016, 32086284, 37491868). ClinVar contains an entry for this variant (Variation ID: 847079). Invitae Evidence Modeling of protein sequence and biophysical properties (such as structural, functional, and spatial information, amino acid conservation, physicochemical variation, residue mobility, and thermodynamic stability) indicates that this missense variant is not expected to disrupt NPRL3 protein function with a negative predictive value of 80%. Experimental studies have shown that this missense change does not substantially affect NPRL3 function (PMID: 31639411). In summary, the available evidence is currently insufficient to determine the role of this variant in disease. Therefore, it has been classified as a Variant of Uncertain Significance.

Laboratory of Genetics, Children's Clinical University Hospital Latvia
Classification: Benign. Last evaluated: 2025-02-16. Review status: criteria provided, single submitter. Criteria: ACMG Guidelines, 2015. Collection method: clinical testing. Allele origin: germline. Affected: yes.

GeneDx
Classification: Uncertain significance. Last evaluated: 2019-03-14. Review status: criteria provided, single submitter. Criteria: GeneDx Variant Classification Process June 2021. Collection method: clinical testing. Allele origin: germline. Affected: yes.
Comment: Identified in a proband with focal epilepsy but was not present in a similarly affected sibling (Weckhuysen et al., 2016); In silico analysis, which includes protein predictors and evolutionary conservation, supports that this variant does not alter protein structure/function; This variant is associated with the following publications: (PMID: 32086284, 31639411, 30093711, 27173016, 26505888)

Breakthrough Genomics
Classification: Uncertain significance. Review status: criteria provided, single submitter. Criteria: ACMG Guidelines, 2015. Collection method: not provided. Allele origin: germline. Inheritance: Autosomal dominant inheritance. Affected: yes.

Literature cited by the submitters: PubMed 26505888 (cited by Labcorp Genetics (formerly Invitae), Labcorp); PubMed 27173016 (cited by Labcorp Genetics (formerly Invitae), Labcorp); PubMed 32086284 (cited by Labcorp Genetics (formerly Invitae), Labcorp); PubMed 37491868 (cited by Labcorp Genetics (formerly Invitae), Labcorp); PubMed 31639411 (cited by Labcorp Genetics (formerly Invitae), Labcorp).